The following is an entry in ClinVar:

ClinVar aggregate classification (germline): Benign. Review status: criteria provided, multiple submitters, no conflicts (2 of 4 stars). 3 submissions from 2 submitters: Benign (3). Last evaluated 2021-05-22.

Conditions:
Arrhythmogenic right ventricular dysplasia 2. Identifiers: MedGen C1832931.
Catecholaminergic polymorphic ventricular tachycardia 1. Also called: VENTRICULAR TACHYCARDIA, CATECHOLAMINERGIC POLYMORPHIC, 1, WITH OR WITHOUT ATRIAL DYSFUNCTION AND/OR DILATED CARDIOMYOPATHY; VENTRICULAR TACHYCARDIA, STRESS-INDUCED POLYMORPHIC 1; RYR2-Related Catecholaminergic Polymorphic Ventricular Tachycardia. Identifiers: Orphanet 3286, MedGen C1631597, MONDO:0011484, OMIM 604772.

Allele frequency attached by ClinVar (database versions not stated): gnomAD 0.01804 and 0.01788; TOPMed 0.01943; gnomAD exomes 0.00445; 1000 Genomes Project 0.02776; 1000 Genomes Project 30x 0.02920.

Submissions (3):

GeneDx
Classification: Benign. Last evaluated: 2021-05-22. Review status: criteria provided, single submitter. Criteria: GeneDx Variant Classification Process June 2021. Collection method: clinical testing. Allele origin: germline. Affected: yes.

Illumina Laboratory Services, Illumina
Classification: Benign for Catecholaminergic polymorphic ventricular tachycardia 1. Last evaluated: 2018-01-13. Review status: criteria provided, single submitter. Criteria: ICSL Variant Classification Criteria 13 December 2019. Collection method: clinical testing. Allele origin: germline.
Comment: This variant was observed in the ICSL laboratory as part of a predisposition screen in an ostensibly healthy population. It had not been previously curated by ICSL or reported in the Human Gene Mutation Database (HGMD: prior to June 1st, 2018), and was therefore a candidate for classification through an automated scoring system. Utilizing variant allele frequency, disease prevalence and penetrance estimates, and inheritance mode, an automated score was calculated to assess if this variant is too frequent to cause the disease. Based on the score and internal cut-off values, a variant classified as benign is not then subjected to further curation. The score for this variant resulted in a classification of benign for this disease.

Illumina Laboratory Services, Illumina
Classification: Benign for Catecholaminergic polymorphic ventricular tachycardia 1. Last evaluated: 2018-01-13. Review status: criteria provided, single submitter. Criteria: ICSL Variant Classification Criteria 13 December 2019. Collection method: clinical testing. Allele origin: germline.
Comment: the same text as in the submission from Illumina Laboratory Services, Illumina above.

NM_001035.3(RYR2):c.*328C>T

Gene: RYR2 (ryanodine receptor 2; plus strand). Cytogenetic location: 1q43.
Variant type: single nucleotide variant.
Coding change: c.*328C>T on transcript NM_001035.3 (MANE Select); 328 bases downstream of the stop codon, C replaced by T.
Molecular consequence: 3 prime UTR variant.
Genome position (GRCh38, 1-based): chr1:237,832,975, C>T. VCF-style: chr1-237832975-C-T. GRCh37 (hg19) VCF-style: chr1-237996275-C-T.
Other names: c.*328C>T (LRG_402t1).
Identifiers: ClinVar variation 296779 (VCV000296779.6), dbSNP rs76286925, ClinGen allele CA10609823.